The following is an entry in ClinVar:

ClinVar aggregate classification (germline): Likely benign. Review status: criteria provided, multiple submitters, no conflicts (2 of 4 stars). 2 submissions from 2 submitters: Likely benign (2). Last evaluated 2025-06-30.

Allele frequency attached by ClinVar (database versions not stated): gnomAD exomes 0.00001 and 0.00002; TOPMed 0.00002; gnomAD 0.00001; ExAC 0.00002.
gnomAD v4.1: 8 of 1,613,924 alleles (0.0005%); highest among the groups gnomAD compares: Admixed American, 0.013%; no homozygotes.

Submissions (2):

Mayo Clinic Laboratories, Mayo Clinic
Classification: Likely benign. Last evaluated: 2025-06-30. Review status: criteria provided, single submitter. Criteria: ACMG Guidelines, 2015. Collection method: clinical testing. Allele origin: germline. Observed: 1 variant allele.
Comment: BP4, BP7

Labcorp Genetics (formerly Invitae), Labcorp
Classification: Likely benign. Last evaluated: 2018-03-29. Review status: criteria provided, single submitter. Criteria: Invitae Variant Classification Sherloc (09022015). Collection method: clinical testing. Allele origin: germline.

NM_133443.4(GPT2):c.1134A>C (p.Pro378=)

Gene: GPT2 (glutamic--pyruvic transaminase 2; plus strand). Cytogenetic location: 16q11.2.
Variant type: single nucleotide variant.
Coding change: c.1134A>C on transcript NM_133443.4 (MANE Select); coding-DNA position 1134, A replaced by C.
Protein change: p.Pro378=; no amino-acid change (proline 378 retained).
Molecular consequence: synonymous variant.
Genome position (GRCh38, 1-based): chr16:46,922,338, A>C. VCF-style: chr16-46922338-A-C. GRCh37 (hg19) VCF-style: chr16-46956250-A-C.
Other names: p.Pro378=; c.834A>C, p.Pro278= (NM_001142466.3).
Identifiers: ClinVar variation 746704 (VCV000746704.4), dbSNP rs763323582, ClinGen allele CA8038797.